The following is an entry in ClinVar:

NM_001371986.1(UNC80):c.8900A>G (p.Glu2967Gly)

Gene: UNC80 (unc-80 subunit of NALCN channel complex; plus strand). Cytogenetic location: 2q34.
Variant type: single nucleotide variant.
Coding change: c.8900A>G on transcript NM_001371986.1 (MANE Select); coding-DNA position 8900, A replaced by G.
Protein change: p.Glu2967Gly; replaces glutamic acid 2967 with glycine.
Molecular consequence: missense variant.
Genome position (GRCh38, 1-based): chr2:209,977,040, A>G. VCF-style: chr2-209977040-A-G. GRCh37 (hg19) VCF-style: chr2-210841764-A-G.
Other names: c.8702A>G (NM_032504.1); c.8702A>G, p.Glu2901Gly (NM_032504.2); c.8687A>G, p.Glu2896Gly (NM_182587.4); short protein forms E2896G, E2901G, E2967G.
Identifiers: ClinVar variation 2000389 (VCV002000389.2), dbSNP rs2471237200, ClinGen allele CA350414277.
Genomic context (GRCh38, chr2:209,977,040, plus strand): 5'-AGCGGCGCTTCATACCACGCCCTTTGTGTAAGAGCTCGCTCATTGCTGAGTTCAACAGTG[A>G]ACTAAAAATTCTAAAAGAGGCAGTTCATAGTGGATCAGGTGAGTGTGCATGAGAGTGTTG-3'
Protein context (NP_001358915.1, residues 2957-2977): KSSLIAEFNS[Glu2967Gly]LKILKEAVHS

ClinVar aggregate classification (germline): Uncertain significance (1 of 4 stars; one submission).

Conditions:
Hypotonia, infantile, with psychomotor retardation and characteristic facies 2 (IHPRF2). Also called: UNC80 Deficiency. Identifiers: Orphanet 371364, Orphanet 700333, MedGen C4225203, MONDO:0014777, OMIM 616801.

Submission:

Labcorp Genetics (formerly Invitae), Labcorp
Classification: Uncertain significance. Last evaluated: 2022-06-11. Review status: criteria provided, single submitter. Criteria: Invitae Variant Classification Sherloc (09022015). Collection method: clinical testing. Allele origin: germline.
Comment: This sequence change replaces glutamic acid, which is acidic and polar, with glycine, which is neutral and non-polar, at codon 2901 of the UNC80 protein (p.Glu2901Gly). This variant is not present in population databases (gnomAD no frequency). This variant has not been reported in the literature in individuals affected with UNC80-related conditions. Algorithms developed to predict the effect of missense changes on protein structure and function are either unavailable or do not agree on the potential impact of this missense change (SIFT: "Not Available"; PolyPhen-2: "Probably Damaging"; Align-GVGD: "Not Available"). In summary, the available evidence is currently insufficient to determine the role of this variant in disease. Therefore, it has been classified as a Variant of Uncertain Significance.